The following is an entry in ClinVar:

ClinVar aggregate classification (germline): Uncertain significance. Review status: criteria provided, multiple submitters, no conflicts (2 of 4 stars). 2 submissions from 2 submitters: Uncertain significance (2). Last evaluated 2023-08-15.

Conditions:
Lynch syndrome. Identifiers: Orphanet 144, MedGen C4552100, MONDO:0005835. Disease mechanism: loss of function.
Hereditary cancer-predisposing syndrome. Also called: Neoplastic Syndromes, Hereditary; Tumor predisposition; Hereditary Cancer Syndrome; Hereditary neoplastic syndrome. Identifiers: Orphanet 140162, MedGen C0027672, MeSH D009386, MONDO:0015356.

Submissions (2):

All of Us Research Program, National Institutes of Health
Classification: Uncertain significance for Lynch syndrome. Last evaluated: 2023-08-15. Review status: criteria provided, single submitter. Criteria: ACMG Guidelines, 2015. Collection method: clinical testing. Allele origin: germline. Inheritance: Autosomal dominant inheritance. Observed: 1 variant allele, 1 heterozygote.
Comment: This study involves interpretation of variants in research participants for the purpose of population health screening. Participant phenotype was not available at the time of variant classification. Additional details can be found in publication PMID: 35346344, PMCID: PMC8962531

Ambry Genetics
Classification: Uncertain significance for Hereditary cancer-predisposing syndrome. Last evaluated: 2020-02-19. Review status: criteria provided, single submitter. Criteria: Ambry Variant Classification Scheme 2023. Collection method: clinical testing. Allele origin: germline.
Comment: The p.I227L variant (also known as c.679A>C), located in coding exon 6 of the PMS2 gene, results from an A to C substitution at nucleotide position 679. The isoleucine at codon 227 is replaced by leucine, an amino acid with highly similar properties. This amino acid position is highly conserved in available vertebrate species. In addition, the in silico prediction for this alteration is inconclusive. Since supporting evidence is limited at this time, the clinical significance of this alteration remains unclear.

NM_000535.7(PMS2):c.679A>C (p.Ile227Leu)

Gene: PMS2 (PMS1 homolog 2, mismatch repair system component; minus strand). Cytogenetic location: 7p22.1.
Variant type: single nucleotide variant.
Coding change: c.679A>C on transcript NM_000535.7 (MANE Select); coding-DNA position 679, A replaced by C.
Protein change: p.Ile227Leu; replaces isoleucine 227 with leucine.
Molecular consequence: missense variant. On other transcripts: 5 prime UTR variant (2), non-coding transcript variant (1), intron variant (1).
Genome position (GRCh38, 1-based): chr7:5,999,134, T>G on the plus strand (A>C on the coding strand, the complement: PMS2 is on the minus strand). VCF-style: chr7-5999134-T-G. GRCh37 (hg19) VCF-style: chr7-6038765-T-G.
Other names: c.274A>C, p.Ile92Leu (NM_001018040.1, NM_001322003.2, NM_001322004.2 and 20 more transcripts); c.679A>C, p.Ile227Leu (NM_001322006.2, NM_001322014.2, NM_001406870.1 and 4 more transcripts); c.361A>C, p.Ile121Leu (NM_001322007.2, NM_001322008.2, NM_001406876.1 and 4 more transcripts); c.-255A>C (NM_001322011.2, NM_001322012.2); c.370A>C, p.Ile124Leu (NM_001322015.2, NM_001406875.1, NM_001406877.1 and 6 more transcripts); c.865A>C, p.Ile289Leu (NM_001406866.1); c.703A>C, p.Ile235Leu (NM_001406868.1); c.343A>C, p.Ile115Leu (NM_001406885.1); and 1 more; short protein forms I289L, I115L, I92L, I124L, I235L, I121L, I227L.
Identifiers: ClinVar variation 1755481 (VCV001755481.3), dbSNP rs1554302326, ClinGen allele CA366743862.
Genomic context (GRCh38, chr7:5,999,134, plus strand): 5'-AATAAGAGGCGTTGAAGTAACCGGCCATCACTACCTGCTTCTGCCCAAACACAGAGCCGA[T>G]ATTTTCCTTTATGCTGGGGCTTCCACCTGTGCATACCACAGGCTGTCGTTTTCCTTGTCC-3'
Protein context (NP_000526.2, residues 217-237): TGGSPSIKEN[Ile227Leu]GSVFGQKQLQ